The following is an entry in ClinVar:

ClinVar aggregate classification (germline): Uncertain significance (1 of 4 stars; one submission).

Allele frequency attached by ClinVar (database versions not stated): gnomAD exomes below 0.00001; ExAC 0.00001.

Submission:

Labcorp Genetics (formerly Invitae), Labcorp
Classification: Uncertain significance. Last evaluated: 2021-06-06. Review status: criteria provided, single submitter. Criteria: Invitae Variant Classification Sherloc (09022015). Collection method: clinical testing. Allele origin: germline.
Comment: This sequence change replaces glycine with glutamic acid at codon 28 of the ZNF408 protein (p.Gly28Glu). The glycine residue is moderately conserved and there is a moderate physicochemical difference between glycine and glutamic acid. This variant is present in population databases (rs775735680, ExAC 0.002%). This variant has not been reported in the literature in individuals with ZNF408-related conditions. Algorithms developed to predict the effect of missense changes on protein structure and function output the following: SIFT: "Deleterious"; PolyPhen-2: "Benign"; Align-GVGD: "Class C0". The glutamic acid amino acid residue is found in multiple mammalian species, suggesting that this missense change does not adversely affect protein function. These predictions have not been confirmed by published functional studies and their clinical significance is uncertain. In summary, the available evidence is currently insufficient to determine the role of this variant in disease. Therefore, it has been classified as a Variant of Uncertain Significance.

NM_024741.3(ZNF408):c.83G>A (p.Gly28Glu)

Gene: ZNF408 (zinc finger protein 408; plus strand). Cytogenetic location: 11p11.2.
Variant type: single nucleotide variant.
Coding change: c.83G>A on transcript NM_024741.3 (MANE Select); coding-DNA position 83, G replaced by A.
Protein change: p.Gly28Glu; replaces glycine 28 with glutamic acid.
Molecular consequence: missense variant.
Genome position (GRCh38, 1-based): chr11:46,701,429, G>A. VCF-style: chr11-46701429-G-A. GRCh37 (hg19) VCF-style: chr11-46722979-G-A.
Other names: c.59G>A, p.Gly20Glu (NM_001184751.2); short protein forms G20E, G28E.
Identifiers: ClinVar variation 1473124 (VCV001473124.8), dbSNP rs775735680, ClinGen allele CA5966233.